The following is an entry in ClinVar:

NM_000085.5(CLCNKB):c.969-11A>G

Genes: CLCNKB (chloride voltage-gated channel Kb; plus strand), LOC106501713 (CLCNKB recombination region; plus strand). Cytogenetic location: 1p36.13.
Variant type: single nucleotide variant.
Coding change: c.969-11A>G on transcript NM_000085.5 (MANE Select); 11 bases into the intron before coding-DNA position 969, A replaced by G.
Molecular consequence: intron variant.
Genome position (GRCh38, 1-based): chr1:16,050,505, A>G. VCF-style: chr1-16050505-A-G. GRCh37 (hg19) VCF-style: chr1-16377000-A-G.
Other names: c.462-11A>G (NM_001165945.2).
Identifiers: ClinVar variation 4526853 (VCV004526853.2).

ClinVar aggregate classification (germline): Conflicting classifications of pathogenicity. Review status: criteria provided, conflicting classifications (1 of 4 stars). 2 submissions from 2 submitters: Uncertain significance (1); Likely benign (1). Last evaluated 2025-10-03.

Conditions:
Bartter disease type 3. Also called: Bartter syndrome type 3. Identifiers: Orphanet 112, Orphanet 93605, MedGen C1846343, MONDO:0011822, OMIM 607364.

gnomAD v4.1: 51 of 1,613,424 alleles (0.0032%); highest among the groups gnomAD compares: East Asian, 0.025%; no homozygotes.

Submissions (2):

Rare Kidney Stone Consortium and the Mayo Clinic Hyperoxaluria Center, Mayo Clinic
Classification: Uncertain significance for Bartter disease type 3. Last evaluated: 2025-10-03. Review status: criteria provided, single submitter. Criteria: ACMG Guidelines, 2015. Collection method: research. Allele origin: germline. Observed: 1 variant allele.
Comment: ACMG:PM2, PP3

Labcorp Genetics (formerly Invitae), Labcorp
Classification: Likely benign. Last evaluated: 2025-03-16. Review status: criteria provided, single submitter. Criteria: Invitae Variant Classification Sherloc (09022015). Collection method: clinical testing. Allele origin: germline.

Literature cited by the submitters: PubMed 40794449 (cited by Rare Kidney Stone Consortium and the Mayo Clinic Hyperoxaluria Center, Mayo Clinic).